The following is an entry in ClinVar:

ClinVar aggregate classification (germline): Benign/Likely benign. Review status: criteria provided, multiple submitters, no conflicts (2 of 4 stars). 3 submissions from 3 submitters: Benign (1); Likely benign (1). 1 of the submissions does not count toward it. Last evaluated 2025-12-30.

Conditions:
Inflammatory bowel disease 28. Also called: Inflammatory bowel disease 28, early onset, autosomal recessive. Identifiers: Orphanet 238569, MedGen C2751053, MONDO:0013153, OMIM 613148.
IL10RA-related disorder. Also called: IL10RA-related condition.

Allele frequency attached by ClinVar (database versions not stated): gnomAD exomes 0.00006 and 0.00017; ExAC 0.00017; ESP Exome Variant Server 0.00046; 1000 Genomes Project 0.00060; 1000 Genomes Project 30x 0.00062; gnomAD 0.00068 and 0.00073; TOPMed 0.00083.

Submissions (3):

Labcorp Genetics (formerly Invitae), Labcorp
Classification: Benign for Inflammatory bowel disease 28. Last evaluated: 2025-12-30. Review status: criteria provided, single submitter. Criteria: Invitae Variant Classification Sherloc (09022015). Collection method: clinical testing. Allele origin: germline.

Blueprint Genetics
Classification: Likely benign. Last evaluated: 2023-03-21. Review status: criteria provided, single submitter. Criteria: ACMG Guidelines, 2015. Collection method: clinical testing. Allele origin: germline.

PreventionGenetics, part of Exact Sciences
Classification: Likely benign for IL10RA-related condition. Last evaluated: 2020-09-23. Review status: no assertion criteria provided. Collection method: clinical testing. Allele origin: germline. Not counted in ClinVar's aggregate classification.
Comment: This variant is classified as likely benign based on ACMG/AMP sequence variant interpretation guidelines (Richards et al. 2015 PMID: 25741868, with internal and published modifications).

NM_001558.4(IL10RA):c.1638C>T (p.Ala546=)

Gene: IL10RA (interleukin 10 receptor subunit alpha; plus strand). Cytogenetic location: 11q23.3.
Variant type: single nucleotide variant.
Coding change: c.1638C>T on transcript NM_001558.4 (MANE Select); coding-DNA position 1638, C replaced by T.
Protein change: p.Ala546=; no amino-acid change (alanine 546 retained).
Molecular consequence: synonymous variant. On other transcripts: non-coding transcript variant (1).
Genome position (GRCh38, 1-based): chr11:117,999,542, C>T. VCF-style: chr11-117999542-C-T. GRCh37 (hg19) VCF-style: chr11-117870257-C-T.
Identifiers: ClinVar variation 709592 (VCV000709592.14), dbSNP rs146193205, ClinGen allele CA6299220.